The following is an entry in ClinVar:

NM_000271.5(NPC1):c.204T>G (p.Phe68Leu)

Gene: NPC1 (NPC intracellular cholesterol transporter 1; minus strand). Cytogenetic location: 18q11.2.
Variant type: single nucleotide variant.
Coding change: c.204T>G on transcript NM_000271.5 (MANE Select); coding-DNA position 204, T replaced by G.
Protein change: p.Phe68Leu; replaces phenylalanine 68 with leucine.
Molecular consequence: missense variant.
Genome position (GRCh38, 1-based): chr18:23,572,157, A>C on the plus strand (T>G on the coding strand, the complement: NPC1 is on the minus strand). VCF-style: chr18-23572157-A-C. GRCh37 (hg19) VCF-style: chr18-21152121-A-C.
Other names: short protein forms F68L.
Identifiers: ClinVar variation 595387 (VCV000595387.9), dbSNP rs778177842, ClinGen allele CA8913793.

ClinVar aggregate classification (germline): Uncertain significance. Review status: criteria provided, multiple submitters, no conflicts (2 of 4 stars). 2 submissions from 2 submitters: Uncertain significance (2). Last evaluated 2022-07-30.

Conditions:
Niemann-Pick disease, type C1. Also called: NEUROVISCERAL STORAGE DISEASE WITH VERTICAL SUPRANUCLEAR OPHTHALMOPLEGIA; NIEMANN-PICK DISEASE WITH CHOLESTEROL ESTERIFICATION BLOCK; NIEMANN-PICK DISEASE WITHOUT SPHINGOMYELINASE DEFICIENCY; NIEMANN-PICK DISEASE, CHRONIC NEURONOPATHIC FORM; NIEMANN-PICK DISEASE, VARIANT TYPE C1. Identifiers: Orphanet 646, MedGen C3179455, MONDO:0009757, OMIM 257220.

Allele frequency attached by ClinVar (database versions not stated): TOPMed below 0.00001; ExAC 0.00001; gnomAD 0.00001; gnomAD exomes 0.00001 and 0.00002.
gnomAD v4.1: 36 of 1,613,148 alleles (0.0022%); highest among the groups gnomAD compares: Non-Finnish European, 0.0031%; no homozygotes.

Submissions (2):

Labcorp Genetics (formerly Invitae), Labcorp
Classification: Uncertain significance for Niemann-Pick disease, type C1. Last evaluated: 2022-07-30. Review status: criteria provided, single submitter. Criteria: Invitae Variant Classification Sherloc (09022015). Collection method: clinical testing. Allele origin: germline.
Comment: This sequence change replaces phenylalanine, which is neutral and non-polar, with leucine, which is neutral and non-polar, at codon 68 of the NPC1 protein (p.Phe68Leu). This variant is present in population databases (rs778177842, gnomAD 0.003%). This variant has not been reported in the literature in individuals affected with NPC1-related conditions. ClinVar contains an entry for this variant (Variation ID: 595387). Advanced modeling of protein sequence and biophysical properties (such as structural, functional, and spatial information, amino acid conservation, physicochemical variation, residue mobility, and thermodynamic stability) performed at Invitae indicates that this missense variant is not expected to disrupt NPC1 protein function. In summary, the available evidence is currently insufficient to determine the role of this variant in disease. Therefore, it has been classified as a Variant of Uncertain Significance.

Eurofins Ntd Llc (ga)
Classification: Uncertain significance. Last evaluated: 2017-12-13. Review status: criteria provided, single submitter. Criteria: EGL Classification Definitions 2015. Collection method: clinical testing. Allele origin: germline. Observed: 1 variant allele, 1 heterozygote.